The following is an entry in ClinVar:

ClinVar aggregate classification (germline): Uncertain significance (1 of 4 stars; one submission).

Conditions:
Hereditary cancer-predisposing syndrome. Also called: Neoplastic Syndromes, Hereditary; Tumor predisposition; Hereditary Cancer Syndrome; Hereditary neoplastic syndrome. Identifiers: Orphanet 140162, MedGen C0027672, MeSH D009386, MONDO:0015356.

Submission:

Ambry Genetics
Classification: Uncertain significance for Hereditary cancer-predisposing syndrome. Last evaluated: 2022-05-10. Review status: criteria provided, single submitter. Criteria: Ambry Variant Classification Scheme 2023. Collection method: clinical testing. Allele origin: germline.
Comment: The p.H1382Q variant (also known as c.4146C>A), located in coding exon 23 of the PTCH1 gene, results from a C to A substitution at nucleotide position 4146. The histidine at codon 1382 is replaced by glutamine, an amino acid with highly similar properties. This amino acid position is conserved. In addition, the in silico prediction for this alteration is inconclusive. Since supporting evidence is limited at this time, the clinical significance of this alteration remains unclear.

NM_000264.5(PTCH1):c.4146C>A (p.His1382Gln)

Gene: PTCH1 (patched 1; minus strand). Cytogenetic location: 9q22.32.
Variant type: single nucleotide variant.
Coding change: c.4146C>A on transcript NM_000264.5 (MANE Select); coding-DNA position 4146, C replaced by A.
Protein change: p.His1382Gln; replaces histidine 1382 with glutamine.
Molecular consequence: missense variant. On other transcripts: non-coding transcript variant (1).
Genome position (GRCh38, 1-based): chr9:95,447,110, G>T on the plus strand (C>A on the coding strand, the complement: PTCH1 is on the minus strand). VCF-style: chr9-95447110-G-T. GRCh37 (hg19) VCF-style: chr9-98209392-G-T.
Other names: c.3948C>A, p.His1316Gln (NM_001083602.3); c.4143C>A, p.His1381Gln (NM_001083603.3); c.3693C>A, p.His1231Gln (NM_001083604.3, NM_001083605.3, NM_001083606.3 and 1 more transcripts); c.3990C>A, p.His1330Gln (NM_001354918.2); short protein forms H1231Q, H1381Q, H1330Q, H1382Q, H1316Q.
Identifiers: ClinVar variation 1738204 (VCV001738204.2), dbSNP rs1207158056, ClinGen allele CA374110231.